The following is an entry in ClinVar:

NM_016219.5(MAN1B1):c.614T>C (p.Val205Ala)

Gene: MAN1B1 (mannosidase alpha class 1B member 1; plus strand). Cytogenetic location: 9q34.3.
Variant type: single nucleotide variant.
Coding change: c.614T>C on transcript NM_016219.5 (MANE Select); coding-DNA position 614, T replaced by C.
Protein change: p.Val205Ala; replaces valine 205 with alanine.
Molecular consequence: missense variant. On other transcripts: non-coding transcript variant (2).
Genome position (GRCh38, 1-based): chr9:137,096,385, T>C. VCF-style: chr9-137096385-T-C. GRCh37 (hg19) VCF-style: chr9-139990837-T-C.
Other names: c.506T>C, p.Val169Ala (NM_007230.1); short protein forms V205A, V169A.
Identifiers: ClinVar variation 1751882 (VCV001751882.2), dbSNP rs1040184876, ClinGen allele CA375643346.

ClinVar aggregate classification (germline): Uncertain significance (1 of 4 stars; one submission).

Conditions:
Inborn genetic diseases. Identifiers: MedGen C0950123, MeSH D030342.

gnomAD v4.1: 1 of 1,613,572 alleles (0.000062%); highest among the groups gnomAD compares: Non-Finnish European, 0.000085%; no homozygotes.

Submission:

Ambry Genetics
Classification: Uncertain significance for Inborn genetic diseases. Last evaluated: 2017-10-12. Review status: criteria provided, single submitter. Criteria: Ambry Variant Classification Scheme 2023. Collection method: clinical testing. Allele origin: germline.
Comment: The p.V205A variant (also known as c.614T>C), located in coding exon 4 of the MAN1B1 gene, results from a T to C substitution at nucleotide position 614. The valine at codon 205 is replaced by alanine, an amino acid with similar properties. This amino acid position is not well conserved in available vertebrate species. In addition, this alteration is predicted to be tolerated by in silico analysis. Since supporting evidence is limited at this time, the clinical significance of this alteration remains unclear.